The following is an entry in ClinVar:

ClinVar aggregate classification (germline): Uncertain significance (1 of 4 stars; one submission).

Conditions:
Hypogonadotropic hypogonadism 2 with or without anosmia (HH2). Also called: FGFR1-Related GnRH Deficiency (Kallmann Syndrome 2); HYPOGONADOTROPIC HYPOGONADISM 2 WITH OR WITHOUT ANOSMIA, SUSCEPTIBILITY TO; HYPOGONADOTROPIC HYPOGONADISM 2 WITHOUT ANOSMIA, SUSCEPTIBILITY TO; HYPOGONADOTROPIC HYPOGONADISM 2 WITHOUT ANOSMIA. Identifiers: Orphanet 478, MedGen C1563720, MONDO:0007844, OMIM 147950. Disease mechanism: loss of function.
Pfeiffer syndrome (ACS5). Also called: ACS V. Identifiers: Orphanet 710, MedGen C0220658, MONDO:0007043, OMIM 101600.

Submission:

Labcorp Genetics (formerly Invitae), Labcorp
Classification: Uncertain significance for Pfeiffer syndrome; Hypogonadotropic hypogonadism 2 with or without anosmia. Last evaluated: 2023-12-22. Review status: criteria provided, single submitter. Criteria: Invitae Variant Classification Sherloc (09022015). Collection method: clinical testing. Allele origin: germline.
Comment: This sequence change replaces valine, which is neutral and non-polar, with leucine, which is neutral and non-polar, at codon 751 of the FGFR1 protein (p.Val751Leu). This variant is not present in population databases (gnomAD no frequency). This variant has not been reported in the literature in individuals affected with FGFR1-related conditions. Advanced modeling of protein sequence and biophysical properties (such as structural, functional, and spatial information, amino acid conservation, physicochemical variation, residue mobility, and thermodynamic stability) performed at Invitae indicates that this missense variant is expected to disrupt FGFR1 protein function with a positive predictive value of 95%. In summary, the available evidence is currently insufficient to determine the role of this variant in disease. Therefore, it has been classified as a Variant of Uncertain Significance.

NM_023110.3(FGFR1):c.2251G>C (p.Val751Leu)

Gene: FGFR1 (fibroblast growth factor receptor 1; minus strand). Cytogenetic location: 8p11.23.
Variant type: single nucleotide variant.
Coding change: c.2251G>C on transcript NM_023110.3 (MANE Select); coding-DNA position 2251, G replaced by C.
Protein change: p.Val751Leu; replaces valine 751 with leucine.
Molecular consequence: missense variant.
Genome position (GRCh38, 1-based): chr8:38,413,959, C>G on the plus strand (G>C on the coding strand, the complement: FGFR1 is on the minus strand). VCF-style: chr8-38413959-C-G. GRCh37 (hg19) VCF-style: chr8-38271477-C-G.
Other names: c.2251G>C, p.Val751Leu (NM_000604.2); c.2245G>C, p.Val749Leu (NM_001174063.2, NM_001174065.2, NM_001354367.2 and 1 more transcripts); c.2221G>C, p.Val741Leu (NM_001174064.2); c.1984G>C, p.Val662Leu (NM_001174066.2, NM_023105.3); c.2344G>C, p.Val782Leu (NM_001174067.2); c.1972G>C, p.Val658Leu (NM_001354368.2); c.2239G>C, p.Val747Leu (NM_001354369.2, NM_001410922.1); c.1978G>C, p.Val660Leu (NM_001354370.2, NM_023106.3); short protein forms V747L, V751L, V741L, V782L, V660L, V662L, V658L, V749L.
Identifiers: ClinVar variation 2950667 (VCV002950667.3), dbSNP rs2150520798, ClinGen allele CA370727892.